The following is an entry in ClinVar:

NM_022098.4(XPNPEP3):c.609G>A (p.Trp203Ter)

Gene: XPNPEP3 (X-prolyl aminopeptidase 3; plus strand). Cytogenetic location: 22q13.2.
Variant type: single nucleotide variant.
Coding change: c.609G>A on transcript NM_022098.4 (MANE Select); coding-DNA position 609, G replaced by A.
Protein change: p.Trp203Ter; replaces tryptophan 203 with a stop codon.
Molecular consequence: nonsense.
Genome position (GRCh38, 1-based): chr22:40,886,332, G>A. VCF-style: chr22-40886332-G-A. GRCh37 (hg19) VCF-style: chr22-41282336-G-A.
Other names: short protein forms W203*.
Identifiers: ClinVar variation 5020079 (VCV005020079.1).

ClinVar aggregate classification (germline): Likely pathogenic (1 of 4 stars; one submission).

Conditions:
Left ventricular noncompaction cardiomyopathy. Also called: left ventricular non-compaction cardiomyopathy. Identifiers: MedGen C4021133, HP:0011664.

gnomAD v4.1: 5 of 1,614,006 alleles (0.00031%); highest among the groups gnomAD compares: South Asian, 0.0022%; no homozygotes.

Submission:

Department of Nephrology, Rheumatology and Immunology, Dalian Women and Children's Medical Center
Classification: Likely pathogenic for Left ventricular noncompaction cardiomyopathy. Last evaluated: 2026-09-15. Review status: criteria provided, single submitter. Criteria: ACMG Guidelines, 2015. Collection method: clinical testing. Allele origin: inherited. Inheritance: Autosomal recessive inheritance. Affected: yes. Observed: 1 variant allele, 1 compound heterozygote.
Comment: The c.609G>A variant is a nonsense variant in the XPNPEP3 gene. This variant introduces a premature termination codon at position 609, resulting in severe protein truncation and loss of the C-terminal 305 amino acids (PVS1). According to the 2015 ACMG/AMP guidelines, this variant is classified as Likely Pathogenic, additionally supported by PM3: this variant is identified in trans with the second XPNPEP3 variant c.740A>G in the affected proband, consistent with autosomal recessive inheritance.